The following is an entry in ClinVar:

ClinVar aggregate classification (germline): Pathogenic (1 of 4 stars; one submission).

Conditions:
CDKL5 disorder. Identifiers: MedGen CN296942, MONDO:0100039.

Submission:

Centre for Population Genomics, CPG
Classification: Pathogenic for CDKL5 disorder. Last evaluated: 2024-08-21. Review status: criteria provided, single submitter. Criteria: McKnight et al. (Hum Mutat. 2022). Collection method: curation. Allele origin: germline. Inheritance: X-linked inheritance.
Comment: This variant has been collected from RettBASE and curated to current modified ACMG/AMP criteria. Based on the classification scheme defined by the ClinGen Rett/Angelman-like Expert Panel for Rett/AS-like Disorders Specifications to the ACMG/AMP Variant Interpretation Guidelines VCEP 3.0, this variant is classified as pathogenic. At least the following criteria are met: Predicted to result in loss of function, and LOF is a known mechanism of disease (PVS1). This variant is absent from gnomAD v4 (PM2_Supporting). Has been observed in at least 2 individuals with phenotypes consistent with CDKL5 disorder (PS4_Supporting). PMID:25657822 23708187

NM_001323289.2(CDKL5):c.2564C>G (p.Ser855Ter)

Gene: CDKL5 (cyclin dependent kinase like 5; plus strand). Cytogenetic location: Xp22.13.
Variant type: single nucleotide variant.
Coding change: c.2564C>G on transcript NM_001323289.2 (MANE Select); coding-DNA position 2564, C replaced by G.
Protein change: p.Ser855Ter; replaces serine 855 with a stop codon.
Molecular consequence: nonsense.
Genome position (GRCh38, 1-based): chrX:18,628,438, C>G. VCF-style: chrX-18628438-C-G. GRCh37 (hg19) VCF-style: chrX-18646558-C-G.
Other names: NM_003159.3:c.2564C>G; c.2564C>G, p.Ser855Ter (NM_001037343.2, NM_003159.3); short protein forms S855*.
Identifiers: ClinVar variation 3343982 (VCV003343982.1).